The following is an entry in ClinVar:

ClinVar aggregate classification (germline): Uncertain significance (1 of 4 stars; one submission).

Submission:

Ambry Genetics
Classification: Uncertain significance. Last evaluated: 2025-01-03. Review status: criteria provided, single submitter. Criteria: Ambry Variant Classification Scheme 2023. Collection method: clinical testing. Allele origin: germline.
Comment: The p.K469E variant (also known as c.1405A>G), located in coding exon 1 of the MLH3 gene, results from an A to G substitution at nucleotide position 1405. The lysine at codon 469 is replaced by glutamic acid, an amino acid with similar properties. This amino acid position is conserved. In addition, this alteration is predicted to be tolerated by in silico analysis. Based on the available evidence, the clinical significance of this variant remains unclear.

NM_001040108.2(MLH3):c.1405A>G (p.Lys469Glu)

Gene: MLH3 (mutL homolog 3; minus strand). Cytogenetic location: 14q24.3.
Variant type: single nucleotide variant.
Coding change: c.1405A>G on transcript NM_001040108.2 (MANE Select); coding-DNA position 1405, A replaced by G.
Protein change: p.Lys469Glu; replaces lysine 469 with glutamic acid.
Molecular consequence: missense variant.
Genome position (GRCh38, 1-based): chr14:75,048,251, T>C on the plus strand (A>G on the coding strand, the complement: MLH3 is on the minus strand). VCF-style: chr14-75048251-T-C. GRCh37 (hg19) VCF-style: chr14-75514954-T-C.
Other names: c.1405A>G, p.Lys469Glu (NM_014381.3); short protein forms K469E.
Identifiers: ClinVar variation 3873486 (VCV003873486.1).
Genomic context (GRCh38, chr14:75,048,251, plus strand): 5'-TTTTATGTTTCTCATTTTCTCCAGCTTCTGATGCTACAATTGTCTCTTGTTCTAACATCT[T>C]TGATTCTGAGCAAGAGCTGTCTTTGTTTTGTAAAGATGGCTCTGTCATTTTGCTATGGCC-3'
Protein context (NP_001035197.1, residues 459-479): QNKDSSCSES[Lys469Glu]MLEQETIVAS